The following is an entry in ClinVar:

ClinVar aggregate classification (germline): Uncertain significance. Review status: criteria provided, multiple submitters, no conflicts (2 of 4 stars). 2 submissions from 2 submitters: Uncertain significance (2). Last evaluated 2024-11-22.

Conditions:
Juvenile polyposis syndrome (JPS). Identifiers: Orphanet 2929, MedGen C0345893, MONDO:0017380, OMIM 174900.
Hereditary cancer-predisposing syndrome. Also called: Hereditary neoplastic syndrome; Neoplastic Syndromes, Hereditary; Tumor predisposition; Hereditary Cancer Syndrome. Identifiers: Orphanet 140162, MedGen C0027672, MeSH D009386, MONDO:0015356.

Allele frequency attached by ClinVar (database versions not stated): gnomAD exomes below 0.00001.
gnomAD v4.1: 1 of 1,614,184 alleles (0.000062%); highest among the groups gnomAD compares: South Asian, 0.0011%; no homozygotes.

Submissions (2):

Ambry Genetics
Classification: Uncertain significance for Hereditary cancer-predisposing syndrome. Last evaluated: 2024-11-22. Review status: criteria provided, single submitter. Criteria: Ambry Variant Classification Scheme 2023. Collection method: clinical testing. Allele origin: germline.
Comment: The p.Y407C variant (also known as c.1220A>G), located in coding exon 9 of the BMPR1A gene, results from an A to G substitution at nucleotide position 1220. The tyrosine at codon 407 is replaced by cysteine, an amino acid with highly dissimilar properties. This amino acid position is highly conserved in available vertebrate species. In addition, this alteration is predicted to be deleterious by in silico analysis. Based on the available evidence, the clinical significance of this variant remains unclear.

Labcorp Genetics (formerly Invitae), Labcorp
Classification: Uncertain significance for Juvenile polyposis syndrome. Last evaluated: 2021-07-08. Review status: criteria provided, single submitter. Criteria: Invitae Variant Classification Sherloc (09022015). Collection method: clinical testing. Allele origin: germline.
Comment: This variant has not been reported in the literature in individuals with BMPR1A-related conditions. ClinVar contains an entry for this variant (Variation ID: 482881). This sequence change replaces tyrosine with cysteine at codon 407 of the BMPR1A protein (p.Tyr407Cys). The tyrosine residue is highly conserved and there is a large physicochemical difference between tyrosine and cysteine. This variant is not present in population databases (ExAC no frequency). Advanced modeling of protein sequence and biophysical properties (such as structural, functional, and spatial information, amino acid conservation, physicochemical variation, residue mobility, and thermodynamic stability) performed at Invitae indicates that this missense variant is expected to disrupt BMPR1A protein function. In summary, the available evidence is currently insufficient to determine the role of this variant in disease. Therefore, it has been classified as a Variant of Uncertain Significance.

NM_004329.3(BMPR1A):c.1220A>G (p.Tyr407Cys)

Gene: BMPR1A (bone morphogenetic protein receptor type 1A; plus strand). Cytogenetic location: 10q23.2.
Variant type: single nucleotide variant.
Coding change: c.1220A>G on transcript NM_004329.3 (MANE Select); coding-DNA position 1220, A replaced by G.
Protein change: p.Tyr407Cys; replaces tyrosine 407 with cysteine.
Molecular consequence: missense variant.
Genome position (GRCh38, 1-based): chr10:86,921,573, A>G. VCF-style: chr10-86921573-A-G. GRCh37 (hg19) VCF-style: chr10-88681330-A-G.
Other names: short protein forms Y407C.
Identifiers: ClinVar variation 482881 (VCV000482881.15), dbSNP rs1554891322, ClinGen allele CA377461995.